The following is an entry in ClinVar:

ClinVar aggregate classification (germline): Likely pathogenic (1 of 4 stars; one submission).

Submission:

GeneDx
Classification: Likely pathogenic. Last evaluated: 2016-12-02. Review status: criteria provided, single submitter. Criteria: GeneDx Variant Classification (06012015). Collection method: clinical testing. Allele origin: germline. Affected: yes.
Comment: The Q246P variant in the LZTR1 gene has not been reported previously as a pathogenic variant nor as a benign variant, to our knowledge. The Q246P variant was not observed in approximately 6500 individuals of European and African American ancestry in the NHLBI Exome Sequencing Project, indicating it is not a common benign variant in these populations. The Q246P variant is a non-conservative amino acid substitution, which is likely to impact secondary protein structure as these residues differ in polarity, charge, size and/or other properties. This substitution occurs at a position that is conserved across species. In silico analysis predicts this variant is probably damaging to the protein structure/function. Therefore, Q246P in the LZTR1 gene is interpreted as a likely pathogenic variant. This variant was observed in individuals with clinical features consistent with a RASopathy. Clinical features observed in patients with this variant include broad neck, small scrotum, relative short stature, pectus excavatum, posteriorly rotated ears, and/or motor delay. This variant has been confirmed de novo in at least 1 individual tested at GeneDx.

NM_006767.4(LZTR1):c.737A>C (p.Gln246Pro)

Gene: LZTR1 (leucine zipper like transcription regulator 1; plus strand). Cytogenetic location: 22q11.21.
Variant type: single nucleotide variant.
Coding change: c.737A>C on transcript NM_006767.4 (MANE Select); coding-DNA position 737, A replaced by C.
Protein change: p.Gln246Pro; replaces glutamine 246 with proline.
Molecular consequence: missense variant.
Genome position (GRCh38, 1-based): chr22:20,990,471, A>C. VCF-style: chr22-20990471-A-C. GRCh37 (hg19) VCF-style: chr22-21344760-A-C.
Other names: short protein forms Q246P.
Identifiers: ClinVar variation 373302 (VCV000373302.2), dbSNP rs1057518336, ClinGen allele CA16043174.
Genomic context (GRCh38, chr22:20,990,471, plus strand): 5'-CATCTTGCTGCAACTTCCCCGTGGCTGTGTGCCGGGACAAGATGTTTGTATTCTCTGGGC[A>C]AAGCGGAGCCAAAATAACCAACAACCTCTTCCAGTTTGAATTCAAGGACAAGACGTGAGT-3'
Protein context (NP_006758.2, residues 236-256): CRDKMFVFSG[Gln246Pro]SGAKITNNLF